The following is an entry in ClinVar:

NM_001005273.3(CHD3):c.4385A>C (p.His1462Pro)

Gene: CHD3 (chromodomain helicase DNA binding protein 3; plus strand). Cytogenetic location: 17p13.1.
Variant type: single nucleotide variant.
Coding change: c.4385A>C on transcript NM_001005273.3 (MANE Select); coding-DNA position 4385, A replaced by C.
Protein change: p.His1462Pro; replaces histidine 1462 with proline.
Molecular consequence: missense variant.
Genome position (GRCh38, 1-based): chr17:7,906,579, A>C. VCF-style: chr17-7906579-A-C. GRCh37 (hg19) VCF-style: chr17-7809897-A-C.
Other names: c.4562A>C, p.His1521Pro (NM_001005271.3); c.4385A>C, p.His1462Pro (NM_005852.4); short protein forms H1462P, H1521P.
Identifiers: ClinVar variation 1879360 (VCV001879360.29), dbSNP rs2545078668, ClinGen allele CA397946023.

ClinVar aggregate classification (germline): Uncertain significance (1 of 4 stars; one submission).

Submission:

CeGaT Center for Human Genetics Tuebingen
Classification: Uncertain significance. Last evaluated: 2024-11-01. Review status: criteria provided, single submitter. Criteria: CeGaT Center For Human Genetics Tuebingen Variant Classification Criteria Version 2. Collection method: clinical testing. Allele origin: germline. Affected: yes. Observed: 1 variant allele.
Comment: CHD3: PM2, PP2, PP4